The following is an entry in ClinVar:

ClinVar aggregate classification (germline): Conflicting classifications of pathogenicity. Review status: criteria provided, conflicting classifications (1 of 4 stars). 5 submissions from 5 submitters: Uncertain significance (3); Likely benign (1). 1 of the submissions does not count toward it. Last evaluated 2024-10-29.

Conditions:
Nemaline myopathy 2 (NEM2). Also called: Nemaline myopathy 2, autosomal recessive. Identifiers: MedGen C1850569, MONDO:0009725, OMIM 256030.
Inborn genetic diseases. Identifiers: MedGen C0950123, MeSH D030342.

Allele frequency attached by ClinVar (database versions not stated): ExAC 0.00002; TOPMed 0.00003; gnomAD 0.00004; gnomAD exomes 0.00005.
gnomAD v4.1: 54 of 1,613,544 alleles (0.0033%); highest among the groups gnomAD compares: Admixed American, 0.017%; no homozygotes.

Submissions (5):

Ambry Genetics
Classification: Uncertain significance for Inborn genetic diseases. Last evaluated: 2024-10-29. Review status: criteria provided, single submitter. Criteria: Ambry Variant Classification Scheme 2023. Collection method: clinical testing. Allele origin: germline.

Labcorp Genetics (formerly Invitae), Labcorp
Classification: Likely benign for Nemaline myopathy 2. Last evaluated: 2024-06-17. Review status: criteria provided, single submitter. Criteria: Invitae Variant Classification Sherloc (09022015). Collection method: clinical testing. Allele origin: germline.

Women's Health and Genetics/Laboratory Corporation of America, LabCorp
Classification: Uncertain significance. Last evaluated: 2022-03-31. Review status: criteria provided, single submitter. Criteria: LabCorp Variant Classification Summary - May 2015. Collection method: clinical testing. Allele origin: germline.
Comment: Variant summary: NEB c.23815C>T (p.Arg7939Cys) results in a non-conservative amino acid change in the encoded protein sequence. Four of five in-silico tools predict a damaging effect of the variant on protein function. The variant allele was found at a frequency of 4.8e-05 in 249142 control chromosomes (gnomAD). This frequency is not higher than expected for a pathogenic variant in NEB causing Nemaline Myopathy 2 (4.8e-05 vs 0.0035), allowing no conclusion about variant significance. To our knowledge, no occurrence of c.23815C>T in individuals affected with Nemaline Myopathy 2 and no experimental evidence demonstrating its impact on protein function have been reported. One clinical diagnostic laboratory has submitted clinical-significance assessments for this variant to ClinVar after 2014 and classified the variant as uncertain significance. Based on the evidence outlined above, the variant was classified as uncertain significance.

Breakthrough Genomics
Classification: Uncertain significance. Review status: criteria provided, single submitter. Criteria: ACMG Guidelines, 2015. Collection method: not provided. Allele origin: germline. Inheritance: Autosomal recessive inheritance. Affected: yes.

Natera, Inc.
Classification: Uncertain significance for Nemaline myopathy type 2. Last evaluated: 2020-02-13. Review status: no assertion criteria provided. Collection method: clinical testing. Allele origin: germline. Not counted in ClinVar's aggregate classification.

NM_001164508.2(NEB):c.23710C>T (p.Arg7904Cys)

Genes: NEB (nebulin; minus strand), RIF1 (replication timing regulatory factor 1; plus strand). Cytogenetic location: 2q23.3.
Variant type: single nucleotide variant.
Coding change: c.23710C>T on transcript NM_001164508.2 (MANE Select); coding-DNA position 23710, C replaced by T.
Protein change: p.Arg7904Cys; replaces arginine 7904 with cysteine.
Molecular consequence: missense variant.
Genome position (GRCh38, 1-based): chr2:151,505,510, G>A on the plus strand (C>T on the coding strand, the complement: NEB is on the minus strand). VCF-style: chr2-151505510-G-A. GRCh37 (hg19) VCF-style: chr2-152362024-G-A.
Other names: c.18607C>T (NM_004543.4); c.23710C>T, p.Arg7904Cys (NM_001164507.2); c.23815C>T, p.Arg7939Cys (NM_001271208.2); c.18607C>T, p.Arg6203Cys (NM_004543.5); short protein forms R7904C, R7939C, R6203C.
Identifiers: ClinVar variation 970488 (VCV000970488.13), dbSNP rs758166991, ClinGen allele CA1906278.